The following is an entry in ClinVar:

NM_138773.4(SLC25A46):c.323C>T (p.Ala108Val)

Gene: SLC25A46 (solute carrier family 25 member 46; plus strand). Cytogenetic location: 5q22.1.
Variant type: single nucleotide variant.
Coding change: c.323C>T on transcript NM_138773.4 (MANE Select); coding-DNA position 323, C replaced by T.
Protein change: p.Ala108Val; replaces alanine 108 with valine.
Molecular consequence: missense variant. On other transcripts: non-coding transcript variant (1).
Genome position (GRCh38, 1-based): chr5:110,742,086, C>T. VCF-style: chr5-110742086-C-T. GRCh37 (hg19) VCF-style: chr5-110077787-C-T.
Other names: c.323C>T, p.Ala108Val (NM_001303249.3); c.50C>T, p.Ala17Val (NM_001303250.3); c.323C>T (NM_138773.1); short protein forms A108V, A17V.
Identifiers: ClinVar variation 1000260 (VCV001000260.10), dbSNP rs1400743911, ClinGen allele CA360693663.
Genomic context (GRCh38, chr5:110,742,086, plus strand): 5'-TTCTATTTTTTTTTACTTTAGAACAGCTGAATAGATTTGCTGGATTTGGTATTGGACTTG[C>T]AAGGTAATGTTTTATCTAAAGACGTTTACAGCTTTTATTTATTGAATTTAGAGTTTTTCT-3'
Protein context (NP_620128.1, residues 98-118): NRFAGFGIGL[Ala108Val]SLFTENVLAH

ClinVar aggregate classification (germline): Uncertain significance. Review status: criteria provided, multiple submitters, no conflicts (2 of 4 stars). 2 submissions from 2 submitters: Uncertain significance (2). Last evaluated 2025-12-04.

Conditions:
Inborn genetic diseases. Identifiers: MedGen C0950123, MeSH D030342.
Neuropathy, hereditary motor and sensory, type 6B (HMSN6B). Also called: Neuropathy, hereditary motor and sensory, type VIB; HMSN VIB; CHARCOT-MARIE-TOOTH DISEASE, TYPE 6B; NEUROPATHY, HEREDITARY MOTOR AND SENSORY, TYPE VIB, WITH OPTIC ATROPHY. Identifiers: MedGen C4225302, MONDO:0014671, OMIM 616505.

Allele frequency attached by ClinVar (database versions not stated): gnomAD 0.00001; TOPMed 0.00001.

Submissions (2):

Ambry Genetics
Classification: Uncertain significance for Inborn genetic diseases. Last evaluated: 2025-12-04. Review status: criteria provided, single submitter. Criteria: Ambry Variant Classification Scheme 2023. Collection method: clinical testing. Allele origin: germline.

Labcorp Genetics (formerly Invitae), Labcorp
Classification: Uncertain significance for Neuropathy, hereditary motor and sensory, type 6B. Last evaluated: 2020-05-20. Review status: criteria provided, single submitter. Criteria: Invitae Variant Classification Sherloc (09022015). Collection method: clinical testing. Allele origin: germline.
Comment: In summary, the available evidence is currently insufficient to determine the role of this variant in disease. Therefore, it has been classified as a Variant of Uncertain Significance. Algorithms developed to predict the effect of sequence changes on RNA splicing suggest that this variant may create or strengthen a splice site, but this prediction has not been confirmed by published transcriptional studies. Algorithms developed to predict the effect of missense changes on protein structure and function (SIFT, PolyPhen-2, Align-GVGD) all suggest that this variant is likely to be tolerated, but these predictions have not been confirmed by published functional studies and their clinical significance is uncertain. This variant has not been reported in the literature in individuals with SLC25A46-related conditions. This variant is not present in population databases (ExAC no frequency). This sequence change replaces alanine with valine at codon 108 of the SLC25A46 protein (p.Ala108Val). The alanine residue is moderately conserved and there is a small physicochemical difference between alanine and valine.